The following is an entry in ClinVar:

NM_004900.5(APOBEC3B):c.703A>G (p.Met235Val)

Gene: APOBEC3B (apolipoprotein B mRNA editing enzyme catalytic subunit 3B; plus strand). Cytogenetic location: 22q13.1.
Variant type: single nucleotide variant.
Coding change: c.703A>G on transcript NM_004900.5 (MANE Select); coding-DNA position 703, A replaced by G.
Protein change: p.Met235Val; replaces methionine 235 with valine.
Molecular consequence: missense variant.
Genome position (GRCh38, 1-based): chr22:38,989,590, A>G. VCF-style: chr22-38989590-A-G. GRCh37 (hg19) VCF-style: chr22-39385595-A-G.
Other names: c.703A>G, p.Met235Val (NM_001270411.2); short protein forms M235V.
Identifiers: ClinVar variation 1050576 (VCV001050576.1), dbSNP rs140420815, ClinGen allele CA10237505.

ClinVar aggregate classification (germline): Uncertain significance (0 of 4 stars; one submission).

Allele frequency attached by ClinVar (database versions not stated): gnomAD exomes 0.00001 and 0.00002; ExAC 0.00003; TOPMed 0.00006; gnomAD 0.00009; ESP Exome Variant Server 0.00015.

Submission:

Department of Pathology and Laboratory Medicine, Sinai Health System
Classification: Uncertain significance. Review status: no assertion criteria provided. Collection method: clinical testing. Allele origin: unknown. Affected: yes. Study: The Canadian Open Genetics Repository (COGR).
Comment: The APOBEC3B p.Met235Val variant was not identified in the literature nor was it identified in ClinVar, Cosmic or LOVD 3.0. The variant was identified in dbSNP (ID: rs140420815) and in control databases in 4 of 243106 chromosomes at a frequency of 0.00001645 (Genome Aggregation Database March 6, 2019, v2.1.1). The variant was observed in the African population in 4 of 16184 chromosomes (freq: 0.000247), but was not observed in the Latino, Ashkenazi Jewish, East Asian, European (Finnish), European (non-Finnish), Other, or South Asian populations. The p.Met235 residue is not conserved in mammals and computational analyses (PolyPhen-2, SIFT, AlignGVGD, BLOSUM, MutationTaster) do not suggest a high likelihood of impact to the protein; however, this information is not predictive enough to rule out pathogenicity. The variant occurs outside of the splicing consensus sequence and 1 of 4 in silico or computational prediction software programs (SpliceSiteFinder, MaxEntScan, NNSPLICE, GeneSplicer) predict a greater than 10% difference in splicing; this is not very predictive of pathogenicity. In summary, based on the above information the clinical significance of this variant cannot be determined with certainty at this time. This variant is classified as a variant of uncertain significance.